The following is an entry in ClinVar:

NM_024577.4(SH3TC2):c.2715C>G (p.Leu905=)

Gene: SH3TC2 (SH3 domain and tetratricopeptide repeats 2; minus strand). Cytogenetic location: 5q32.
Variant type: single nucleotide variant.
Coding change: c.2715C>G on transcript NM_024577.4 (MANE Select); coding-DNA position 2715, C replaced by G.
Protein change: p.Leu905=; no amino-acid change (leucine 905 retained).
Molecular consequence: synonymous variant.
Genome position (GRCh38, 1-based): chr5:149,027,017, G>C on the plus strand (C>G on the coding strand, the complement: SH3TC2 is on the minus strand). VCF-style: chr5-149027017-G-C. GRCh37 (hg19) VCF-style: chr5-148406580-G-C.
Identifiers: ClinVar variation 515492 (VCV000515492.12), dbSNP rs141789598, ClinGen allele CA3498942.

ClinVar aggregate classification (germline): Likely benign. Review status: criteria provided, multiple submitters, no conflicts (2 of 4 stars). 4 submissions from 4 submitters: Likely benign (4). Last evaluated 2025-12-24.

Conditions:
SH3TC2-related disorder. Also called: SH3TC2-related condition; SH3TC2-related disorders. Identifiers: MedGen CN239303.
Inborn genetic diseases. Identifiers: MedGen C0950123, MeSH D030342.
Charcot-Marie-Tooth disease type 4. Also called: Charcot-Marie-Tooth disease, type IV; Charcot-Marie-Tooth, Type 4. Identifiers: Orphanet 64749, MedGen C4082197, MONDO:0018995.

Allele frequency attached by ClinVar (database versions not stated): ESP Exome Variant Server 0.00015; 1000 Genomes Project 30x 0.00016; gnomAD 0.00017 and 0.00018; TOPMed 0.00017; 1000 Genomes Project 0.00020; gnomAD exomes 0.00006; ExAC 0.00008.

Submissions (4):

Labcorp Genetics (formerly Invitae), Labcorp
Classification: Likely benign for Charcot-Marie-Tooth disease type 4. Last evaluated: 2025-12-24. Review status: criteria provided, single submitter. Criteria: Invitae Variant Classification Sherloc (09022015). Collection method: clinical testing. Allele origin: germline.

PreventionGenetics, part of Exact Sciences
Classification: Likely benign for SH3TC2-related condition. Last evaluated: 2025-05-02. Review status: criteria provided, single submitter. Criteria: ACMG Guidelines, 2015. Collection method: clinical testing. Allele origin: germline.
Comment: This variant is classified as likely benign based on ACMG/AMP sequence variant interpretation guidelines (Richards et al. 2015 PMID: 25741868, with internal and published modifications).

Ambry Genetics
Classification: Likely benign for Inborn genetic diseases. Last evaluated: 2019-07-11. Review status: criteria provided, single submitter. Criteria: Ambry Variant Classification Scheme 2023. Collection method: clinical testing. Allele origin: germline.

GeneDx
Classification: Likely benign. Last evaluated: 2018-02-19. Review status: criteria provided, single submitter. Criteria: GeneDx Variant Classification (06012015). Collection method: clinical testing. Allele origin: germline. Affected: yes.
Comment: This variant is considered likely benign or benign based on one or more of the following criteria: it is a conservative change, it occurs at a poorly conserved position in the protein, it is predicted to be benign by multiple in silico algorithms, and/or has population frequency not consistent with disease.